The following is an entry in ClinVar:

NM_001165963.4(SCN1A):c.1349A>G (p.Gln450Arg)

Gene: SCN1A (sodium voltage-gated channel alpha subunit 1; minus strand). Cytogenetic location: 2q24.3.
Variant type: single nucleotide variant.
Coding change: c.1349A>G on transcript NM_001165963.4 (MANE Select); coding-DNA position 1349, A replaced by G.
Protein change: p.Gln450Arg; replaces glutamine 450 with arginine.
Molecular consequence: missense variant. On other transcripts: 5 prime UTR variant (1), non-coding transcript variant (1).
Genome position (GRCh38, 1-based): chr2:166,046,798, T>C on the plus strand (A>G on the coding strand, the complement: SCN1A is on the minus strand). VCF-style: chr2-166046798-T-C. GRCh37 (hg19) VCF-style: chr2-166903308-T-C.
Other names: c.1349A>G, p.Gln450Arg (NM_001165964.3, NM_001202435.3, NM_001353948.2 and 10 more transcripts); c.-1077A>G (NM_001353961.2); short protein forms Q450R.
Identifiers: ClinVar variation 3391627 (VCV003391627.1).

ClinVar aggregate classification (germline): Uncertain significance (1 of 4 stars; one submission).

gnomAD v4.1: 1 of 1,613,760 alleles (0.000062%); highest among the groups gnomAD compares: African/African-American, 0.0013%; no homozygotes.

Submission:

GeneDx
Classification: Uncertain significance. Last evaluated: 2024-06-17. Review status: criteria provided, single submitter. Criteria: GeneDx Variant Classification Process June 2021. Collection method: clinical testing. Allele origin: germline. Affected: yes.
Comment: Not observed at significant frequency in large population cohorts (gnomAD); In silico analysis supports that this missense variant has a deleterious effect on protein structure/function; Has not been previously published as pathogenic or benign to our knowledge; This substitution is predicted to be in the cytoplasmic loop between the first and second homologous domains